The following is an entry in ClinVar:

NM_001401501.2(MUC16):c.36857-3T>C

Gene: MUC16 (mucin 16, cell surface associated; minus strand). Cytogenetic location: 19p13.2.
Variant type: single nucleotide variant.
Coding change: c.36857-3T>C on transcript NM_001401501.2 (MANE Select); 3 bases into the intron before coding-DNA position 36857, T replaced by C.
Molecular consequence: intron variant.
Genome position (GRCh38, 1-based): chr19:8,915,642, A>G on the plus strand (T>C on the coding strand, the complement: MUC16 is on the minus strand). VCF-style: chr19-8915642-A-G. GRCh37 (hg19) VCF-style: chr19-9026318-A-G.
Other names: c.37283-3T>C (NM_001414686.1); c.36737-3T>C (NM_001414687.1); c.36671-3T>C (NM_024690.2).
Identifiers: ClinVar variation 3060021 (VCV003060021.2), dbSNP rs62118275, ClinGen allele CA9165626.
Genomic context (GRCh38, chr19:8,915,642, plus strand): 5'-TACTGCAGGTTGGTGATGGTGAAGTTGAGGGTGAACGGCATCAGGAGAGGGCCAGCAGCT[A>G]TAGTGGGAGTGTGAAATAAACATTATGTTCAAAGTAGAGAGAATAGCACTTTGTAATAAC-3'

ClinVar aggregate classification (germline): Benign (0 of 4 stars; one submission).

Conditions:
MUC16-related disorder. Also called: MUC16-related condition.

Allele frequency attached by ClinVar (database versions not stated): gnomAD exomes 0.05066; ExAC 0.06819; ESP Exome Variant Server 0.08531; gnomAD 0.09126; TOPMed 0.09996; 1000 Genomes Project 30x 0.11711; 1000 Genomes Project 0.11981.

Submission:

PreventionGenetics, part of Exact Sciences
Classification: Benign for MUC16-related condition. Last evaluated: 2019-02-28. Review status: no assertion criteria provided. Collection method: clinical testing. Allele origin: germline.
Comment: This variant is classified as benign based on ACMG/AMP sequence variant interpretation guidelines (Richards et al. 2015 PMID: 25741868, with internal and published modifications).